The following is an entry in ClinVar:

NM_181507.2(HPS5):c.309A>G (p.Glu103=)

Gene: HPS5 (HPS5 biogenesis of lysosomal organelles complex 2 subunit 2; minus strand). Cytogenetic location: 11p15.1.
Variant type: single nucleotide variant.
Coding change: c.309A>G on transcript NM_181507.2 (MANE Select); coding-DNA position 309, A replaced by G.
Protein change: p.Glu103=; no amino-acid change (glutamic acid 103 retained).
Molecular consequence: synonymous variant. On other transcripts: 5 prime UTR variant (1).
Genome position (GRCh38, 1-based): chr11:18,310,909, T>C on the plus strand (A>G on the coding strand, the complement: HPS5 is on the minus strand). VCF-style: chr11-18310909-T-C. GRCh37 (hg19) VCF-style: chr11-18332456-T-C.
Other names: p.Glu103=; c.-34A>G (NM_007216.4, NM_181508.2).
Identifiers: ClinVar variation 303896 (VCV000303896.22), dbSNP rs77722090, ClinGen allele CA5910465.

ClinVar aggregate classification (germline): Conflicting classifications of pathogenicity. Review status: criteria provided, conflicting classifications (1 of 4 stars). 7 submissions from 7 submitters: Uncertain significance (1); Benign (1); Likely benign (2). 3 of the submissions do not count toward it. Last evaluated 2026-02-01.

Conditions:
HPS5-related disorder. Also called: HPS5-related condition.
Hermansky-Pudlak syndrome 5 (HPS5). Identifiers: Orphanet 231512, Orphanet 79430, MedGen C3888004, MONDO:0013557, OMIM 614074.

Allele frequency attached by ClinVar (database versions not stated): 1000 Genomes Project 0.00080; 1000 Genomes Project 30x 0.00094; ExAC 0.00119; gnomAD exomes 0.00134 and 0.00215; ESP Exome Variant Server 0.00154; gnomAD 0.00159 and 0.00163; TOPMed 0.00163.
gnomAD v4.1: 3,399 of 1,614,128 alleles (0.21%); highest among the groups gnomAD compares: Non-Finnish European, 0.26%; 3 homozygotes.

Submissions (7):

Labcorp Genetics (formerly Invitae), Labcorp
Classification: Likely benign. Last evaluated: 2026-02-01. Review status: criteria provided, single submitter. Criteria: Invitae Variant Classification Sherloc (09022015). Collection method: clinical testing. Allele origin: germline.

Mayo Clinic Laboratories, Mayo Clinic
Classification: Benign. Last evaluated: 2025-07-28. Review status: criteria provided, single submitter. Criteria: ACMG Guidelines, 2015. Collection method: clinical testing. Allele origin: germline. Observed: 2 variant alleles.
Comment: BS1, BS2, BP4, BP7

Blueprint Genetics
Classification: Likely benign. Last evaluated: 2024-11-27. Review status: criteria provided, single submitter. Criteria: ACMG Guidelines, 2015. Collection method: clinical testing. Allele origin: germline.

Illumina Laboratory Services, Illumina
Classification: Uncertain significance for Hermansky-Pudlak syndrome 5. Last evaluated: 2018-01-13. Review status: criteria provided, single submitter. Criteria: ICSL Variant Classification Criteria 13 December 2019. Collection method: clinical testing. Allele origin: germline.

PreventionGenetics, part of Exact Sciences
Classification: Likely benign for HPS5-related condition. Last evaluated: 2023-11-21. Review status: no assertion criteria provided. Collection method: clinical testing. Allele origin: germline. Not counted in ClinVar's aggregate classification.
Comment: This variant is classified as likely benign based on ACMG/AMP sequence variant interpretation guidelines (Richards et al. 2015 PMID: 25741868, with internal and published modifications).

Clinical Genetics DNA and cytogenetics Diagnostics Lab, Erasmus MC, Erasmus Medical Center
Classification: Likely benign. Review status: no assertion criteria provided. Collection method: clinical testing. Allele origin: germline. Affected: yes. Study: VKGL Data-share Consensus. Not counted in ClinVar's aggregate classification.

Clinical Genetics, Academic Medical Center
Classification: Benign. Review status: no assertion criteria provided. Collection method: clinical testing. Allele origin: germline. Affected: yes. Study: VKGL Data-share Consensus. Not counted in ClinVar's aggregate classification.